The following is an entry in ClinVar:

ClinVar aggregate classification (germline): Uncertain significance (1 of 4 stars; one submission).

Conditions:
Polyglucosan body myopathy type 1 (PGBM1). Also called: Polyglucosan body myopathy 1 with or without immunodeficiency; POLYGLUCOSAN BODY MYOPATHY WITHOUT IMMUNODEFICIENCY. Identifiers: Orphanet 329173, Orphanet 397937, MedGen C4014605, MONDO:0014389, OMIM 615895.

Allele frequency attached by ClinVar (database versions not stated): gnomAD exomes 0.00001; ExAC 0.00004.
gnomAD v4.1: 18 of 1,611,722 alleles (0.0011%); highest among the groups gnomAD compares: South Asian, 0.019%; 1 homozygote.

Submission:

Labcorp Genetics (formerly Invitae), Labcorp
Classification: Uncertain significance for Polyglucosan body myopathy type 1. Last evaluated: 2024-02-27. Review status: criteria provided, single submitter. Criteria: Invitae Variant Classification Sherloc (09022015). Collection method: clinical testing. Allele origin: germline.
Comment: This sequence change replaces glutamic acid, which is acidic and polar, with glycine, which is neutral and non-polar, at codon 413 of the RBCK1 protein (p.Glu413Gly). This variant is present in population databases (rs778770852, gnomAD 0.01%). This variant has not been reported in the literature in individuals affected with RBCK1-related conditions. ClinVar contains an entry for this variant (Variation ID: 1954278). Advanced modeling of protein sequence and biophysical properties (such as structural, functional, and spatial information, amino acid conservation, physicochemical variation, residue mobility, and thermodynamic stability) has been performed at Invitae for this missense variant, however the output from this modeling did not meet the statistical confidence thresholds required to predict the impact of this variant on RBCK1 protein function. In summary, the available evidence is currently insufficient to determine the role of this variant in disease. Therefore, it has been classified as a Variant of Uncertain Significance.

NM_031229.4(RBCK1):c.1238A>G (p.Glu413Gly)

Gene: RBCK1 (RANBP2-type and C3HC4-type zinc finger containing 1; plus strand). Cytogenetic location: 20p13.
Variant type: single nucleotide variant.
Coding change: c.1238A>G on transcript NM_031229.4 (MANE Select); coding-DNA position 1238, A replaced by G.
Protein change: p.Glu413Gly; replaces glutamic acid 413 with glycine.
Molecular consequence: missense variant. On other transcripts: non-coding transcript variant (1).
Genome position (GRCh38, 1-based): chr20:428,519, A>G. VCF-style: chr20-428519-A-G. GRCh37 (hg19) VCF-style: chr20-409163-A-G.
Other names: c.728A>G, p.Glu243Gly (NM_001323956.2, NM_001323958.2); c.1289A>G, p.Glu430Gly (NM_001410770.1); c.1112A>G, p.Glu371Gly (NM_006462.6); short protein forms E413G, E243G, E430G, E371G.
Identifiers: ClinVar variation 1954278 (VCV001954278.5), dbSNP rs778770852, ClinGen allele CA9723315.